The following is an entry in ClinVar:

NM_001330260.2(SCN8A):c.5013C>T (p.Ser1671=)

Gene: SCN8A (sodium voltage-gated channel alpha subunit 8; plus strand). Cytogenetic location: 12q13.13.
Variant type: single nucleotide variant.
Coding change: c.5013C>T on transcript NM_001330260.2 (MANE Select); coding-DNA position 5013, C replaced by T.
Protein change: p.Ser1671=; no amino-acid change (serine 1671 retained).
Molecular consequence: synonymous variant.
Genome position (GRCh38, 1-based): chr12:51,806,499, C>T. VCF-style: chr12-51806499-C-T. GRCh37 (hg19) VCF-style: chr12-52200283-C-T.
Other names: c.4890C>T, p.Ser1630= (NM_001177984.3, NM_001369788.1); c.5013C>T, p.Ser1671= (NM_014191.4).
Identifiers: ClinVar variation 3026429 (VCV003026429.22), dbSNP rs2540334013, ClinGen allele CA480061800.

ClinVar aggregate classification (germline): Likely benign (1 of 4 stars; one submission).

Allele frequency attached by ClinVar (database versions not stated): gnomAD exomes 0.00001.
gnomAD v4.1: 3 of 1,614,156 alleles (0.00019%); highest among the groups gnomAD compares: Non-Finnish European, 0.00025%; no homozygotes.

Submission:

CeGaT Center for Human Genetics Tuebingen
Classification: Likely benign. Last evaluated: 2023-12-01. Review status: criteria provided, single submitter. Criteria: CeGaT Center For Human Genetics Tuebingen Variant Classification Criteria Version 2. Collection method: clinical testing. Allele origin: germline. Affected: yes. Observed: 1 variant allele.
Comment: SCN8A: PM2:Supporting, BP4, BP7